The following is an entry in ClinVar:

ClinVar aggregate classification (germline): Uncertain significance (1 of 4 stars; one submission).

Allele frequency attached by ClinVar (database versions not stated): gnomAD exomes below 0.00001.
gnomAD v4.1: 2 of 1,604,058 alleles (0.00012%); highest among the groups gnomAD compares: Middle Eastern, 0.017%; no homozygotes.

Submission:

Labcorp Genetics (formerly Invitae), Labcorp
Classification: Uncertain significance. Last evaluated: 2024-04-23. Review status: criteria provided, single submitter. Criteria: Invitae Variant Classification Sherloc (09022015). Collection method: clinical testing. Allele origin: germline.
Comment: This sequence change replaces isoleucine, which is neutral and non-polar, with threonine, which is neutral and polar, at codon 279 of the NDUFAF1 protein (p.Ile279Thr). This variant is not present in population databases (gnomAD no frequency). This variant has not been reported in the literature in individuals affected with NDUFAF1-related conditions. ClinVar contains an entry for this variant (Variation ID: 1403234). An algorithm developed to predict the effect of missense changes on protein structure and function (PolyPhen-2) suggests that this variant is likely to be disruptive. Algorithms developed to predict the effect of sequence changes on RNA splicing suggest that this variant may disrupt the consensus splice site. In summary, the available evidence is currently insufficient to determine the role of this variant in disease. Therefore, it has been classified as a Variant of Uncertain Significance.

NM_016013.4(NDUFAF1):c.836T>C (p.Ile279Thr)

Gene: NDUFAF1 (NADH:ubiquinone oxidoreductase complex assembly factor 1; minus strand). Cytogenetic location: 15q15.1.
Variant type: single nucleotide variant.
Coding change: c.836T>C on transcript NM_016013.4 (MANE Select); coding-DNA position 836, T replaced by C.
Protein change: p.Ile279Thr; replaces isoleucine 279 with threonine.
Molecular consequence: missense variant. On other transcripts: non-coding transcript variant (1).
Genome position (GRCh38, 1-based): chr15:41,387,592, A>G on the plus strand (T>C on the coding strand, the complement: NDUFAF1 is on the minus strand). VCF-style: chr15-41387592-A-G. GRCh37 (hg19) VCF-style: chr15-41679790-A-G.
Other names: short protein forms I279T.
Identifiers: ClinVar variation 1403234 (VCV001403234.6), dbSNP rs2140907039, ClinGen allele CA391839708.